The following is an entry in ClinVar:

NM_002470.4(MYH3):c.4991G>A (p.Gly1664Asp)

Gene: MYH3 (myosin heavy chain 3; minus strand). Cytogenetic location: 17p13.1.
Variant type: single nucleotide variant.
Coding change: c.4991G>A on transcript NM_002470.4 (MANE Select); coding-DNA position 4991, G replaced by A.
Protein change: p.Gly1664Asp; replaces glycine 1664 with aspartic acid.
Molecular consequence: missense variant.
Genome position (GRCh38, 1-based): chr17:10,631,982, C>T on the plus strand (G>A on the coding strand, the complement: MYH3 is on the minus strand). VCF-style: chr17-10631982-C-T. GRCh37 (hg19) VCF-style: chr17-10535299-C-T.
Other names: short protein forms G1664D.
Identifiers: ClinVar variation 1706746 (VCV001706746.7), dbSNP rs748986745, ClinGen allele CA8392069.

ClinVar aggregate classification (germline): Uncertain significance. Review status: criteria provided, multiple submitters, no conflicts (2 of 4 stars). 2 submissions from 2 submitters: Uncertain significance (2). Last evaluated 2024-04-10.

Allele frequency attached by ClinVar (database versions not stated): ExAC 0.00001; gnomAD 0.00004; gnomAD exomes 0.00004; TOPMed 0.00006.

Submissions (2):

Labcorp Genetics (formerly Invitae), Labcorp
Classification: Uncertain significance. Last evaluated: 2024-04-10. Review status: criteria provided, single submitter. Criteria: Invitae Variant Classification Sherloc (09022015). Collection method: clinical testing. Allele origin: germline.
Comment: This sequence change replaces glycine, which is neutral and non-polar, with aspartic acid, which is acidic and polar, at codon 1664 of the MYH3 protein (p.Gly1664Asp). This variant is present in population databases (rs748986745, gnomAD 0.03%). This variant has not been reported in the literature in individuals affected with MYH3-related conditions. ClinVar contains an entry for this variant (Variation ID: 1706746). Advanced modeling of protein sequence and biophysical properties (such as structural, functional, and spatial information, amino acid conservation, physicochemical variation, residue mobility, and thermodynamic stability) performed at Invitae indicates that this missense variant is not expected to disrupt MYH3 protein function with a negative predictive value of 95%. In summary, the available evidence is currently insufficient to determine the role of this variant in disease. Therefore, it has been classified as a Variant of Uncertain Significance.

GeneDx
Classification: Uncertain significance. Last evaluated: 2022-03-23. Review status: criteria provided, single submitter. Criteria: GeneDx Variant Classification Process June 2021. Collection method: clinical testing. Allele origin: germline. Affected: yes.
Comment: In silico analysis supports that this missense variant does not alter protein structure/function; Has not been previously published as pathogenic or benign to our knowledge